The following is an entry in ClinVar:

NM_205861.3(DHDDS):c.542+8G>T

Gene: DHDDS (dehydrodolichyl diphosphate synthase subunit; plus strand). Cytogenetic location: 1p36.11.
Variant type: single nucleotide variant.
Coding change: c.542+8G>T on transcript NM_205861.3 (MANE Select); 8 bases into the intron after coding-DNA position 542, G replaced by T.
Molecular consequence: intron variant.
Genome position (GRCh38, 1-based): chr1:26,447,668, G>T. VCF-style: chr1-26447668-G-T. GRCh37 (hg19) VCF-style: chr1-26774159-G-T.
Other names: c.263+8G>T (NM_001319959.2); c.542+8G>T (NM_024887.4); c.440+1236G>T (NM_001243564.2); c.425+8G>T (NM_001243565.2).
Identifiers: ClinVar variation 1655922 (VCV001655922.9), dbSNP rs149948788, ClinGen allele CA339143535.

ClinVar aggregate classification (germline): Conflicting classifications of pathogenicity. Review status: criteria provided, conflicting classifications (1 of 4 stars). 2 submissions from 2 submitters: Uncertain significance (1); Likely benign (1). Last evaluated 2024-12-12.

Conditions:
Retinitis pigmentosa 59 (RP59). Identifiers: Orphanet 791, MedGen C3151227, MONDO:0013468, OMIM 613861.

Submissions (2):

Women's Health and Genetics/Laboratory Corporation of America, LabCorp
Classification: Uncertain significance. Last evaluated: 2024-12-12. Review status: criteria provided, single submitter. Criteria: LabCorp Variant Classification Summary - May 2015. Collection method: clinical testing. Allele origin: germline.
Comment: Variant summary: DHDDS c.542+8G>T alters a nucleotide located close to a canonical splice site and therefore could affect mRNA splicing, leading to a significantly altered protein sequence. Consensus agreement among computation tools predict no significant impact on normal splicing. However, these predictions have yet to be confirmed by functional studies. The variant was absent in 250710 control chromosomes (gnomAD). To our knowledge, no occurrence of c.542+8G>T in individuals affected with Developmental Delay And Seizures With Or Without Movement Abnormalities and no experimental evidence demonstrating its impact on protein function have been reported. ClinVar contains an entry for this variant (Variation ID: 1655922). Based on the evidence outlined above, the variant was classified as VUS-possibly pathogenic.

Labcorp Genetics (formerly Invitae), Labcorp
Classification: Likely benign for Retinitis pigmentosa 59. Last evaluated: 2023-12-30. Review status: criteria provided, single submitter. Criteria: Invitae Variant Classification Sherloc (09022015). Collection method: clinical testing. Allele origin: germline.